The following is an entry in ClinVar:

NM_001278116.2(L1CAM):c.1528del (p.Ala510fs)

Gene: L1CAM (L1 cell adhesion molecule; minus strand). Cytogenetic location: Xq28.
Variant type: Deletion.
Coding change: c.1528del on transcript NM_001278116.2 (MANE Select); coding-DNA position 1528, one base deleted (G; older notation c.1528delG).
Protein change: p.Ala510fs; shifts the reading frame from alanine 510.
Molecular consequence: frameshift variant.
Genome position (GRCh38, 1-based): chrX:153,868,579, C deleted on the plus strand (G on the coding strand, the reverse complement: L1CAM is on the minus strand); the first of 2 consecutive C bases (chrX:153,868,579-153,868,580); deleting either gives the same sequence. VCF-style (leftmost placement, unchanged base first): chrX-153868578-GC-G. GRCh37 (hg19) VCF-style: chrX-153134033-GC-G.
Other names: c.1528del, p.Ala510fs (NM_000425.5, NM_024003.3); c.1513del, p.Ala505fs (NM_001143963.2); short protein forms A505fs, A510fs.
Identifiers: ClinVar variation 2633713 (VCV002633713.4), dbSNP rs2521002176, ClinGen allele CA2695197196.
Genomic context (GRCh38, chrX:153,868,578, plus strand): 5'-CCTCCCAGAGGCACTGCCAGCCATGTGGCAAGGGTTGCCTGACCTTTAACCTTCAGGTTA[GC>G]CATGATGGTAACATTGTTTTGGTCATTGGCAGCCAGGCAGAAGTAGCGTCCGGTGTCATT-3'

ClinVar aggregate classification (germline): Pathogenic/Likely pathogenic. Review status: criteria provided, multiple submitters, no conflicts (2 of 4 stars). 2 submissions from 2 submitters: Pathogenic (1); Likely pathogenic (1). Last evaluated 2025-09-17.

Conditions:
L1CAM-related disorder. Also called: L1CAM-related condition.
Spastic paraplegia. Identifiers: MedGen C0037772, HP:0001258.

Submissions (2):

Labcorp Genetics (formerly Invitae), Labcorp
Classification: Pathogenic for Spastic paraplegia. Last evaluated: 2025-09-17. Review status: criteria provided, single submitter. Criteria: Invitae Variant Classification Sherloc (09022015). Collection method: clinical testing. Allele origin: germline.
Comment: This sequence change creates a premature translational stop signal (p.Ala510Leufs*3) in the L1CAM gene. It is expected to result in an absent or disrupted protein product. Loss-of-function variants in L1CAM are known to be pathogenic (PMID: 19846429). This variant is not present in population databases (gnomAD no frequency). This variant has not been reported in the literature in individuals affected with L1CAM-related conditions. ClinVar contains an entry for this variant (Variation ID: 2633713). For these reasons, this variant has been classified as Pathogenic.

PreventionGenetics, part of Exact Sciences
Classification: Likely pathogenic for L1CAM-related condition. Last evaluated: 2023-03-28. Review status: criteria provided, single submitter. Criteria: ACMG Guidelines, 2015. Collection method: clinical testing. Allele origin: germline.
Comment: The L1CAM c.1528delG variant is predicted to result in a frameshift and premature protein termination (p.Ala510Leufs*3). To our knowledge, this variant has not been reported in the literature or in a large population database, indicating this variant is rare. Frameshift variants in L1CAM are expected to be pathogenic. This variant is interpreted as likely pathogenic.

Literature cited by the submitters: PubMed 19846429 (cited by Labcorp Genetics (formerly Invitae), Labcorp).